The following is an entry in ClinVar:

ClinVar aggregate classification (germline): Likely benign. Review status: criteria provided, single submitter (1 of 4 stars). 2 submissions from 2 submitters: Likely benign (1). 1 of the submissions does not count toward it. Last evaluated 2026-01-28.

Conditions:
PLXNA1-related disorder. Also called: PLXNA1-related condition.

Allele frequency attached by ClinVar (database versions not stated): gnomAD exomes below 0.00001; TOPMed 0.00001.
gnomAD v4.1: 5 of 1,612,256 alleles (0.00031%); highest among the groups gnomAD compares: Non-Finnish European, 0.00042%; no homozygotes.

Submissions (2):

Labcorp Genetics (formerly Invitae), Labcorp
Classification: Likely benign. Last evaluated: 2026-01-28. Review status: criteria provided, single submitter. Criteria: Invitae Variant Classification Sherloc (09022015). Collection method: clinical testing. Allele origin: germline.

PreventionGenetics, part of Exact Sciences
Classification: Likely benign for PLXNA1-related condition. Last evaluated: 2022-06-20. Review status: no assertion criteria provided. Collection method: clinical testing. Allele origin: germline. Not counted in ClinVar's aggregate classification.
Comment: This variant is classified as likely benign based on ACMG/AMP sequence variant interpretation guidelines (Richards et al. 2015 PMID: 25741868, with internal and published modifications).

NM_032242.4(PLXNA1):c.1446G>A (p.Glu482=)

Gene: PLXNA1 (plexin A1; plus strand). Cytogenetic location: 3q21.3.
Variant type: single nucleotide variant.
Coding change: c.1446G>A on transcript NM_032242.4 (MANE Select); coding-DNA position 1446, G replaced by A.
Protein change: p.Glu482=; no amino-acid change (glutamic acid 482 retained).
Molecular consequence: synonymous variant.
Genome position (GRCh38, 1-based): chr3:127,003,398, G>A. VCF-style: chr3-127003398-G-A. GRCh37 (hg19) VCF-style: chr3-126722241-G-A.
Identifiers: ClinVar variation 3029034 (VCV003029034.3), dbSNP rs61747123, ClinGen allele CA83293737.